The following is an entry in ClinVar:

ClinVar aggregate classification (germline): Uncertain significance. Review status: criteria provided, multiple submitters, no conflicts (2 of 4 stars). 2 submissions from 2 submitters: Uncertain significance (2). Last evaluated 2026-04-14.

Conditions:
Hereditary cancer-predisposing syndrome. Also called: Neoplastic Syndromes, Hereditary; Tumor predisposition; Hereditary Cancer Syndrome; Hereditary neoplastic syndrome. Identifiers: Orphanet 140162, MedGen C0027672, MeSH D009386, MONDO:0015356.
Gastrointestinal stromal tumor. Also called: Gastrointestinal stromal tumor, somatic; Gastrointestinal stroma tumor. Identifiers: Orphanet 44890, MedGen C0238198, MeSH D046152, MONDO:0011719, OMIM 606764, HP:0100723.
Pheochromocytoma/paraganglioma syndrome 3. Also called: GLOMUS TUMORS, FAMILIAL, 3; Paragangliomas 3; SDHC-Related Hereditary Paraganglioma-Pheochromocytoma Syndrome (Paragangliomas 3); SDHC-Related Hereditary Paraganglioma-Pheochromocytoma Syndrome. Identifiers: Orphanet 29072, MedGen C1854336, MONDO:0011544, OMIM 605373.

gnomAD v4.1: 2 of 1,613,850 alleles (0.00012%); highest among the groups gnomAD compares: Non-Finnish European, 0.00017%; no homozygotes.

Submissions (2):

Ambry Genetics
Classification: Uncertain significance for Hereditary cancer-predisposing syndrome. Last evaluated: 2026-04-14. Review status: criteria provided, single submitter. Criteria: Ambry Variant Classification Scheme 2023. Collection method: clinical testing. Allele origin: germline.
Comment: The c.405+3A>G intronic variant results from an A to G substitution 3 nucleotides after coding exon 5 in the SDHC gene. This nucleotide position is well conserved in available vertebrate species. In silico splice site analysis predicts that this alteration will not have any significant effect on splicing. Based on the available evidence, the clinical significance of this variant remains unclear.

Labcorp Genetics (formerly Invitae), Labcorp
Classification: Uncertain significance for Pheochromocytoma/paraganglioma syndrome 3; Gastrointestinal stromal tumor. Last evaluated: 2024-02-09. Review status: criteria provided, single submitter. Criteria: Invitae Variant Classification Sherloc (09022015). Collection method: clinical testing. Allele origin: germline.
Comment: This sequence change falls in intron 5 of the SDHC gene. It does not directly change the encoded amino acid sequence of the SDHC protein. It affects a nucleotide within the consensus splice site. This variant is not present in population databases (gnomAD no frequency). This variant has not been reported in the literature in individuals affected with SDHC-related conditions. Variants that disrupt the consensus splice site are a relatively common cause of aberrant splicing (PMID: 17576681, 9536098). Studies have shown that this variant is associated with inconclusive levels of altered splicing (Invitae). In summary, the available evidence is currently insufficient to determine the role of this variant in disease. Therefore, it has been classified as a Variant of Uncertain Significance.

Literature cited by the submitters: PubMed 17576681 (cited by Labcorp Genetics (formerly Invitae), Labcorp); PubMed 9536098 (cited by Labcorp Genetics (formerly Invitae), Labcorp).

NM_003001.5(SDHC):c.405+3A>G

Gene: SDHC (succinate dehydrogenase complex subunit C; plus strand). Cytogenetic location: 1q23.3.
Variant type: single nucleotide variant.
Coding change: c.405+3A>G on transcript NM_003001.5 (MANE Select); 3 bases into the intron after coding-DNA position 405, A replaced by G.
Molecular consequence: intron variant.
Genome position (GRCh38, 1-based): chr1:161,356,843, A>G. VCF-style: chr1-161356843-A-G. GRCh37 (hg19) VCF-style: chr1-161326633-A-G.
Other names: c.294+3A>G (NM_001407119.1, NM_001407120.1); c.525+3A>G (NM_001407115.1); c.242-5486A>G (NM_001035511.3); c.303+3A>G (NM_001035512.3); c.140-5486A>G (NM_001278172.3); c.297+3A>G (NM_001407118.1); c.348+3A>G (NM_001407116.1); c.185-5486A>G (NM_001407121.1); and 3 more.
Identifiers: ClinVar variation 3748189 (VCV003748189.3).